The following is an entry in ClinVar:

NM_017575.5(SMG6):c.2337G>T (p.Thr779=)

Gene: SMG6 (SMG6 nonsense mediated mRNA decay factor; minus strand). Cytogenetic location: 17p13.3.
Variant type: single nucleotide variant.
Coding change: c.2337G>T on transcript NM_017575.5 (MANE Select); coding-DNA position 2337, G replaced by T.
Protein change: p.Thr779=; no amino-acid change (threonine 779 retained).
Molecular consequence: synonymous variant.
Genome position (GRCh38, 1-based): chr17:2,292,552, C>A on the plus strand (G>T on the coding strand, the complement: SMG6 is on the minus strand). VCF-style: chr17-2292552-C-A. GRCh37 (hg19) VCF-style: chr17-2195846-C-A.
Other names: NM_017575.5:c.2337G>T.
Identifiers: ClinVar variation 3385349 (VCV003385349.1).

ClinVar aggregate classification (germline): Uncertain significance (1 of 4 stars; one submission).

Conditions:
Corpus callosum agenesis-abnormal genitalia syndrome. Also called: ACC WITH ABNORMAL GENITALIA; PROUD SYNDROME. Identifiers: Orphanet 2508, MedGen C0796124, MONDO:0010224, OMIM 300004.

gnomAD v4.1: 1 of 1,614,068 alleles (0.000062%); highest among the groups gnomAD compares: Non-Finnish European, 0.000085%; no homozygotes.

Submission:

Broad Center for Mendelian Genomics, Broad Institute of MIT and Harvard
Classification: Uncertain significance for Corpus callosum agenesis-abnormal genitalia syndrome. Last evaluated: 2024-12-10. Review status: criteria provided, single submitter. Criteria: ACMG Guidelines, 2015. Collection method: curation. Allele origin: germline. Inheritance: Autosomal recessive inheritance. Study: GREGoR Consortium.
Comment: While this gene is still lacking sufficient evidence to establish a gene-disease relationship, we believe this is a possible novel gene candidate for corpus callosum agenesis-abnormal genitalia syndrome. Given the limited information about this gene-disease relationship, the significance of the p.Thr779= variant is uncertain. If you have any additional information about functional evidence or other individuals with this phenotype that also have variants in SMG6 we encourage you to reach out to us.